The following is an entry in ClinVar:

NM_000414.4(HSD17B4):c.658C>T (p.Pro220Ser)

Gene: HSD17B4 (hydroxysteroid 17-beta dehydrogenase 4; plus strand). Cytogenetic location: 5q23.1.
Variant type: single nucleotide variant.
Coding change: c.658C>T on transcript NM_000414.4 (MANE Select); coding-DNA position 658, C replaced by T.
Protein change: p.Pro220Ser; replaces proline 220 with serine.
Molecular consequence: missense variant. On other transcripts: non-coding transcript variant (2).
Genome position (GRCh38, 1-based): chr5:119,489,227, C>T. VCF-style: chr5-119489227-C-T. GRCh37 (hg19) VCF-style: chr5-118824922-C-T.
Other names: c.733C>T, p.Pro245Ser (NM_001199291.3); c.604C>T, p.Pro202Ser (NM_001199292.2); c.586C>T, p.Pro196Ser (NM_001292027.2); c.238C>T, p.Pro80Ser (NM_001292028.2); c.649C>T, p.Pro217Ser (NM_001374497.1); c.658C>T, p.Pro220Ser (NM_001374498.1); c.331C>T, p.Pro111Ser (NM_001374499.1); c.217C>T, p.Pro73Ser (NM_001374500.1); and 2 more; short protein forms P202S, P80S, P196S, P111S, P220S, P245S, P217S, P73S.
Identifiers: ClinVar variation 2153258 (VCV002153258.3), dbSNP rs750665868, ClinGen allele CA3381923.

ClinVar aggregate classification (germline): Uncertain significance. Review status: criteria provided, multiple submitters, no conflicts (2 of 4 stars). 3 submissions from 3 submitters: Uncertain significance (3). Last evaluated 2026-08-01.

Conditions:
Perrault syndrome. Also called: Gonadal dysgenesis with auditory dysfunction, autosomal recessive inheritance. Identifiers: Orphanet 2855, MedGen C0685838, MONDO:0017312.
Bifunctional peroxisomal enzyme deficiency (DBIF). Also called: DBP DEFICIENCY; PBFE DEFICIENCY; D-bifunctional protein deficiency. Identifiers: Orphanet 300, MedGen C0342870, MONDO:0009855, OMIM 261515. Disease mechanism: loss of function.

Allele frequency attached by ClinVar (database versions not stated): ExAC 0.00001; gnomAD 0.00002.
gnomAD v4.1: 52 of 1,612,340 alleles (0.0032%); highest among the groups gnomAD compares: South Asian, 0.0099%; no homozygotes.

Submissions (3):

CeGaT Center for Human Genetics Tuebingen
Classification: Uncertain significance. Last evaluated: 2026-08-01. Review status: criteria provided, single submitter. Criteria: CeGaT Center For Human Genetics Tuebingen Variant Classification Criteria Version 2. Collection method: clinical testing. Allele origin: germline. Affected: yes. Observed: 1 variant allele.
Comment: HSD17B4: PM2

GeneDx
Classification: Uncertain significance. Last evaluated: 2024-12-10. Review status: criteria provided, single submitter. Criteria: GeneDx Variant Classification Process June 2021. Collection method: clinical testing. Allele origin: germline. Affected: yes.
Comment: Not observed at significant frequency in large population cohorts (gnomAD); In silico analysis supports that this missense variant has a deleterious effect on protein structure/function; Has not been previously published as pathogenic or benign to our knowledge

Labcorp Genetics (formerly Invitae), Labcorp
Classification: Uncertain significance for Perrault syndrome; Bifunctional peroxisomal enzyme deficiency. Last evaluated: 2022-09-13. Review status: criteria provided, single submitter. Criteria: Invitae Variant Classification Sherloc (09022015). Collection method: clinical testing. Allele origin: germline.
Comment: This sequence change replaces proline, which is neutral and non-polar, with serine, which is neutral and polar, at codon 220 of the HSD17B4 protein (p.Pro220Ser). This variant is present in population databases (rs750665868, gnomAD 0.01%). This variant has not been reported in the literature in individuals affected with HSD17B4-related conditions. Advanced modeling of protein sequence and biophysical properties (such as structural, functional, and spatial information, amino acid conservation, physicochemical variation, residue mobility, and thermodynamic stability) performed at Invitae indicates that this missense variant is expected to disrupt HSD17B4 protein function. In summary, the available evidence is currently insufficient to determine the role of this variant in disease. Therefore, it has been classified as a Variant of Uncertain Significance.